The following is an entry in ClinVar:

NM_003922.4(HERC1):c.513G>A (p.Ala171=)

Gene: HERC1 (HECT and RLD domain containing E3 ubiquitin protein ligase family member 1; minus strand). Cytogenetic location: 15q22.31.
Variant type: single nucleotide variant.
Coding change: c.513G>A on transcript NM_003922.4 (MANE Select); coding-DNA position 513, G replaced by A.
Protein change: p.Ala171=; no amino-acid change (alanine 171 retained).
Molecular consequence: synonymous variant.
Genome position (GRCh38, 1-based): chr15:63,775,111, C>T on the plus strand (G>A on the coding strand, the complement: HERC1 is on the minus strand). VCF-style: chr15-63775111-C-T. GRCh37 (hg19) VCF-style: chr15-64067310-C-T.
Identifiers: ClinVar variation 1960840 (VCV001960840.30), dbSNP rs377592300, ClinGen allele CA7606647.

ClinVar aggregate classification (germline): Likely benign. Review status: criteria provided, multiple submitters, no conflicts (2 of 4 stars). 2 submissions from 2 submitters: Likely benign (2). Last evaluated 2023-07-01.

Allele frequency attached by ClinVar (database versions not stated): gnomAD 0.00001; ExAC 0.00002; ESP Exome Variant Server 0.00008.
gnomAD v4.1: 134 of 1,613,832 alleles (0.0083%); highest among the groups gnomAD compares: Non-Finnish European, 0.011%; no homozygotes.

Submissions (2):

CeGaT Center for Human Genetics Tuebingen
Classification: Likely benign. Last evaluated: 2023-07-01. Review status: criteria provided, single submitter. Criteria: CeGaT Center For Human Genetics Tuebingen Variant Classification Criteria Version 2. Collection method: clinical testing. Allele origin: germline. Affected: yes. Observed: 1 variant allele.
Comment: HERC1: BP4, BP7

Labcorp Genetics (formerly Invitae), Labcorp
Classification: Likely benign. Last evaluated: 2022-05-15. Review status: criteria provided, single submitter. Criteria: Invitae Variant Classification Sherloc (09022015). Collection method: clinical testing. Allele origin: germline.